The following is an entry in ClinVar:

NM_002905.5(RDH5):c.347G>C (p.Gly116Ala)

Genes: BLOC1S1-RDH5 (BLOC1S1-RDH5 readthrough; plus strand), RDH5 (retinol dehydrogenase 5; plus strand). Cytogenetic location: 12q13.2.
Variant type: single nucleotide variant.
Coding change: c.347G>C on transcript NM_002905.5 (MANE Select); coding-DNA position 347, G replaced by C.
Protein change: p.Gly116Ala; replaces glycine 116 with alanine.
Molecular consequence: missense variant. On other transcripts: non-coding transcript variant (1).
Genome position (GRCh38, 1-based): chr12:55,721,725, G>C. VCF-style: chr12-55721725-G-C. GRCh37 (hg19) VCF-style: chr12-56115509-G-C.
Other names: c.347G>C, p.Gly116Ala (NM_001199771.3); short protein forms G116A.
Identifiers: ClinVar variation 3907555 (VCV003907555.1).
Genomic context (GRCh38, chr12:55,721,725, plus strand): 5'-AGCATCCTTTTCATCTCCCCACAGGGCTTTTTGGTCTGGTGAATAATGCTGGTGTGGCTG[G>C]TATCATCGGACCCACACCATGGCTGACCCGGGACGATTTCCAGCGGGTGCTGAATGTGAA-3'
Protein context (NP_002896.2, residues 106-126): FGLVNNAGVA[Gly116Ala]IIGPTPWLTR

ClinVar aggregate classification (germline): Uncertain significance (1 of 4 stars; one submission).

gnomAD v4.1: 2 of 1,613,206 alleles (0.00012%); highest among the groups gnomAD compares: Non-Finnish European, 0.00017%; no homozygotes.

Submission:

Women's Health and Genetics/Laboratory Corporation of America, LabCorp
Classification: Uncertain significance. Last evaluated: 2025-06-24. Review status: criteria provided, single submitter. Criteria: LabCorp Variant Classification Summary - May 2015. Collection method: clinical testing. Allele origin: germline.
Comment: Variant summary: RDH5 c.347G>C (p.Gly116Ala) results in a non-conservative amino acid change in the encoded protein sequence. Algorithms developed to predict the effect of missense changes on protein structure and function are either unavailable or do not agree on the potential impact of this missense change. The variant allele was found at a frequency of 4e-06 in 247640 control chromosomes. The available data on variant occurrences in the general population are insufficient to allow any conclusion about variant significance. To our knowledge, no occurrence of c.347G>C in individuals affected with Pigmentary retinal dystrophy and no experimental evidence demonstrating its impact on protein function have been reported. No submitters have cited clinical-significance assessments for this variant to ClinVar. Based on the evidence outlined above, the variant was classified as uncertain significance.